The following is an entry in ClinVar:

ClinVar aggregate classification (germline): Conflicting classifications of pathogenicity. Review status: criteria provided, conflicting classifications (1 of 4 stars). 5 submissions from 5 submitters: Uncertain significance (3); Likely benign (2). Last evaluated 2026-09-10.

Conditions:
LYRM7-related disorder. Also called: LYRM7-related condition.
Mitochondrial complex III deficiency nuclear type 8. Identifiers: MedGen C4014440, MONDO:0014364, OMIM 615838.

Allele frequency attached by ClinVar (database versions not stated): gnomAD 0.00005 and 0.00007; gnomAD exomes 0.00006 and 0.00013; TOPMed 0.00007; ESP Exome Variant Server 0.00008; ExAC 0.00012; 1000 Genomes Project 30x 0.00016; 1000 Genomes Project 0.00020.
gnomAD v4.1: 114 of 1,601,044 alleles (0.0071%); highest among the groups gnomAD compares: Middle Eastern, 0.15%; no homozygotes.

Submissions (5):

PreventionGenetics, part of Exact Sciences
Classification: Likely benign for LYRM7-related condition. Last evaluated: 2026-09-10. Review status: criteria provided, single submitter. Criteria: ACMG Guidelines, 2015. Collection method: clinical testing. Allele origin: germline.
Comment: This variant is classified as likely benign based on ACMG/AMP sequence variant interpretation guidelines (Richards et al. 2015 PMID: 25741868, with internal and published modifications).

Blueprint Genetics
Classification: Likely benign. Last evaluated: 2024-11-25. Review status: criteria provided, single submitter. Criteria: ACMG Guidelines, 2015. Collection method: clinical testing. Allele origin: germline.

Labcorp Genetics (formerly Invitae), Labcorp
Classification: Uncertain significance. Last evaluated: 2022-07-18. Review status: criteria provided, single submitter. Criteria: Invitae Variant Classification Sherloc (09022015). Collection method: clinical testing. Allele origin: germline.
Comment: This sequence change replaces aspartic acid, which is acidic and polar, with glutamic acid, which is acidic and polar, at codon 88 of the LYRM7 protein (p.Asp88Glu). This variant is present in population databases (rs199579347, gnomAD 0.2%). This variant has not been reported in the literature in individuals affected with LYRM7-related conditions. ClinVar contains an entry for this variant (Variation ID: 1027904). Algorithms developed to predict the effect of missense changes on protein structure and function output the following: SIFT: "Tolerated"; PolyPhen-2: "Benign"; Align-GVGD: "Class C0". The glutamic acid amino acid residue is found in multiple mammalian species, which suggests that this missense change does not adversely affect protein function. In summary, the available evidence is currently insufficient to determine the role of this variant in disease. Therefore, it has been classified as a Variant of Uncertain Significance.

GeneDx
Classification: Uncertain significance. Last evaluated: 2022-03-22. Review status: criteria provided, single submitter. Criteria: GeneDx Variant Classification Process June 2021. Collection method: clinical testing. Allele origin: germline. Affected: yes.
Comment: In silico analysis supports that this missense variant has a deleterious effect on protein structure/function; Has not been previously published as pathogenic or benign to our knowledge

Baylor Genetics
Classification: Uncertain significance for Mitochondrial complex III deficiency nuclear type 8. Last evaluated: 2020-02-06. Review status: criteria provided, single submitter. Criteria: ACMG Guidelines, 2015. Collection method: clinical testing. Allele origin: unknown. Affected: yes.
Comment: This variant was determined to be of uncertain significance according to ACMG Guidelines, 2015 [PMID:25741868].

NM_181705.4(LYRM7):c.264C>A (p.Asp88Glu)

Gene: LYRM7 (LYR motif containing 7; plus strand). Cytogenetic location: 5q23.3.
Variant type: single nucleotide variant.
Coding change: c.264C>A on transcript NM_181705.4 (MANE Select); coding-DNA position 264, C replaced by A.
Protein change: p.Asp88Glu; replaces aspartic acid 88 with glutamic acid.
Molecular consequence: missense variant. On other transcripts: non-coding transcript variant (1).
Genome position (GRCh38, 1-based): chr5:131,199,550, C>A. VCF-style: chr5-131199550-C-A. GRCh37 (hg19) VCF-style: chr5-130535243-C-A.
Other names: c.182C>A, p.Thr61Asn (NM_001293735.2); short protein forms D88E, T61N.
Identifiers: ClinVar variation 1027904 (VCV001027904.6), dbSNP rs199579347, ClinGen allele CA3398803.